The following is an entry in ClinVar:

NM_004606.5(TAF1):c.5042C>A (p.Thr1681Asn)

Gene: TAF1 (TATA-box binding protein associated factor 1; plus strand). Cytogenetic location: Xq13.1.
Variant type: single nucleotide variant.
Coding change: c.5042C>A on transcript NM_004606.5 (MANE Select); coding-DNA position 5042, C replaced by A.
Protein change: p.Thr1681Asn; replaces threonine 1681 with asparagine.
Molecular consequence: missense variant. On other transcripts: non-coding transcript variant (9).
Genome position (GRCh38, 1-based): chrX:71,458,344, C>A. VCF-style: chrX-71458344-C-A. GRCh37 (hg19) VCF-style: chrX-70678194-C-A.
Other names: c.5048C>A, p.Thr1683Asn (NM_001286074.2); c.5042C>A, p.Thr1681Asn (NM_001440852.1, NM_001440853.1); c.4979C>A, p.Thr1660Asn (NM_001440854.1, NM_138923.4); short protein forms T1660N, T1681N, T1683N.
Identifiers: ClinVar variation 4086358 (VCV004086358.2).

ClinVar aggregate classification (germline): Uncertain significance (1 of 4 stars; one submission).

gnomAD v4.1: 7 of 1,211,095 alleles (0.00058%); highest among the groups gnomAD compares: Non-Finnish European, 0.00078%; no homozygotes.

Submission:

GeneDx
Classification: Uncertain significance. Last evaluated: 2026-02-17. Review status: criteria provided, single submitter. Criteria: GeneDx Variant Classification Process June 2021. Collection method: clinical testing. Allele origin: germline.
Comment: Not observed at significant frequency in large population cohorts (gnomAD); In silico analysis indicates that this missense variant does not alter protein structure/function; Has not been previously published as pathogenic or benign to our knowledge